The following is an entry in ClinVar:

NM_000393.5(COL5A2):c.4427A>G (p.Asp1476Gly)

Gene: COL5A2 (collagen type V alpha 2 chain; minus strand). Cytogenetic location: 2q32.2.
Variant type: single nucleotide variant.
Coding change: c.4427A>G on transcript NM_000393.5 (MANE Select); coding-DNA position 4427, A replaced by G.
Protein change: p.Asp1476Gly; replaces aspartic acid 1476 with glycine.
Molecular consequence: missense variant.
Genome position (GRCh38, 1-based): chr2:189,034,143, T>C on the plus strand (A>G on the coding strand, the complement: COL5A2 is on the minus strand). VCF-style: chr2-189034143-T-C. GRCh37 (hg19) VCF-style: chr2-189898869-T-C.
Other names: short protein forms D1476G.
Identifiers: ClinVar variation 1346998 (VCV001346998.6), dbSNP rs2153505892, ClinGen allele CA349854516.

ClinVar aggregate classification (germline): Uncertain significance (1 of 4 stars; one submission).

Conditions:
Ehlers-Danlos syndrome, classic type, 1 (EDSCL1). Also called: EHLERS-DANLOS SYNDROME, GRAVIS TYPE; EHLERS-DANLOS SYNDROME, SEVERE CLASSIC TYPE; Ehlers-Danlos syndrome, type 1; EDS I; Ehlers-Danlos Syndrome, Classic Type, COL5A1-Related. Identifiers: MedGen C0268335, MONDO:0019567, OMIM 130000.

Submission:

Labcorp Genetics (formerly Invitae), Labcorp
Classification: Uncertain significance for Ehlers-Danlos syndrome, classic type, 1. Last evaluated: 2021-10-24. Review status: criteria provided, single submitter. Criteria: Invitae Variant Classification Sherloc (09022015). Collection method: clinical testing. Allele origin: germline.
Comment: In summary, the available evidence is currently insufficient to determine the role of this variant in disease. Therefore, it has been classified as a Variant of Uncertain Significance. Algorithms developed to predict the effect of missense changes on protein structure and function are either unavailable or do not agree on the potential impact of this missense change (SIFT: "Deleterious"; PolyPhen-2: "Not Available"; Align-GVGD: "Class C0"). This variant has not been reported in the literature in individuals affected with COL5A2-related conditions. This variant is not present in population databases (gnomAD no frequency). This sequence change replaces aspartic acid, which is acidic and polar, with glycine, which is neutral and non-polar, at codon 1476 of the COL5A2 protein (p.Asp1476Gly).